The following is an entry in ClinVar:

ClinVar aggregate classification (germline): Likely benign (0 of 4 stars; one submission).

Conditions:
COL6A5-related disorder. Also called: COL6A5-related condition.

Allele frequency attached by ClinVar (database versions not stated): 1000 Genomes Project 0.00060; 1000 Genomes Project 30x 0.00062; ExAC 0.00121; gnomAD 0.00194; TOPMed 0.00195; gnomAD exomes 0.00323.
gnomAD v4.1: 4,688 of 1,528,946 alleles (0.31%); highest among the groups gnomAD compares: Non-Finnish European, 0.39%; 11 homozygotes.

Submission:

PreventionGenetics, part of Exact Sciences
Classification: Likely benign for COL6A5-related condition. Last evaluated: 2021-02-09. Review status: no assertion criteria provided. Collection method: clinical testing. Allele origin: germline.
Comment: This variant is classified as likely benign based on ACMG/AMP sequence variant interpretation guidelines (Richards et al. 2015 PMID: 25741868, with internal and published modifications).

NM_001278298.2(COL6A5):c.4134+10T>G

Gene: COL6A5 (collagen type VI alpha 5 chain; plus strand). Cytogenetic location: 3q22.1.
Variant type: single nucleotide variant.
Coding change: c.4134+10T>G on transcript NM_001278298.2 (MANE Select); 10 bases into the intron after coding-DNA position 4134, T replaced by G.
Molecular consequence: intron variant.
Genome position (GRCh38, 1-based): chr3:130,401,183, T>G. VCF-style: chr3-130401183-T-G. GRCh37 (hg19) VCF-style: chr3-130120027-T-G.
Other names: c.4134+10T>G (NM_153264.7).
Identifiers: ClinVar variation 3053759 (VCV003053759.2), dbSNP rs181508978, ClinGen allele CA2611085.